The following is an entry in ClinVar:

ClinVar aggregate classification (germline): Conflicting classifications of pathogenicity. Review status: criteria provided, conflicting classifications (1 of 4 stars). 12 submissions from 12 submitters: Uncertain significance (7); Likely benign (1). 4 of the submissions do not count toward it. Last evaluated 2025-12-15.

Conditions:
DSP-related disorder. Also called: DSP-related condition; DSP-related disorders.
Cardiovascular phenotype. Identifiers: MedGen CN230736.
Woolly hair-skin fragility syndrome (WHSF). Identifiers: Orphanet 293165, MedGen C1843292, MONDO:0957307, OMIM 620415.
Arrhythmogenic right ventricular dysplasia 8 (ARVD8). Also called: Arrhythmogenic Right Ventricular Dysplasia/Cardiomyopathy 8; ARRHYTHMOGENIC RIGHT VENTRICULAR DYSPLASIA, FAMILIAL, 8; ARRHYTHMOGENIC RIGHT VENTRICULAR CARDIOMYOPATHY 8. Identifiers: MedGen C1843896, MONDO:0011831, OMIM 607450.
Arrhythmogenic cardiomyopathy with wooly hair and keratoderma. Also called: Carvajal syndrome; Dilated cardiomyopathy with woolly hair and keratoderma; Arrhythmogenic cardiomyopathy with woolly hair and keratoderma; PALMOPLANTAR KERATODERMA WITH LEFT VENTRICULAR CARDIOMYOPATHY AND WOOLLY HAIR. Identifiers: Orphanet 65282, MedGen C1854063, MONDO:0011581, OMIM 605676.
Keratosis palmoplantaris striata 2. Also called: KERATODERMA, PALMOPLANTAR, STRIATE FORM II; STRIATE PALMOPLANTAR KERATODERMA II; Keratosis palmoplantaris striata II. Identifiers: MedGen C1852127, MONDO:0013034, OMIM 612908.
Cardiomyopathy, dilated, with wooly hair, keratoderma, and tooth agenesis. Also called: Cardiomyopathy, dilated, with woolly hair, keratoderma, and tooth agenesis; Erythrokeratodermia-cardiomyopathy syndrome. Identifiers: Orphanet 476096, Orphanet 65282, MedGen C4014393, MONDO:0014355, OMIM 615821.
Lethal acantholytic epidermolysis bullosa (EBLA). Identifiers: Orphanet 158687, MedGen C1864826, MONDO:0012323, OMIM 609638.
Arrhythmogenic right ventricular cardiomyopathy (ARVD). Also called: Arrhythmogenic right ventricular dysplasia; Arrhythmogenic cardiomyopathy; Arrhythmogenic Right Ventricular Cardiomyopathy (ARVC); Cardiomyopathy, ARVC. Identifiers: Orphanet 247, MedGen C0349788, MeSH D019571, MONDO:0016587. Disease mechanism: loss of function. Inheritance: Various modes of inheritance.
Cardiomyopathy (CMYO). Also called: Cardiomyopathies. Identifiers: Orphanet 167848, MedGen C0878544, MONDO:0004994, HP:0001638. Inheritance: Various modes of inheritance.

Allele frequency attached by ClinVar (database versions not stated): ExAC 0.00002; gnomAD exomes 0.00003 and 0.00005; TOPMed 0.00003; gnomAD 0.00004.
gnomAD v4.1: 80 of 1,607,478 alleles (0.005%); highest among the groups gnomAD compares: Non-Finnish European, 0.0064%; no homozygotes.

Submissions (12):

Labcorp Genetics (formerly Invitae), Labcorp
Classification: Likely benign for Arrhythmogenic cardiomyopathy with wooly hair and keratoderma; Arrhythmogenic right ventricular dysplasia 8. Last evaluated: 2025-12-15. Review status: criteria provided, single submitter. Criteria: Invitae Variant Classification Sherloc (09022015). Collection method: clinical testing. Allele origin: germline.

PreventionGenetics, part of Exact Sciences
Classification: Uncertain significance for DSP-related condition. Last evaluated: 2025-05-07. Review status: criteria provided, single submitter. Criteria: ACMG Guidelines, 2015. Collection method: clinical testing. Allele origin: germline.
Comment: The DSP c.8500C>T variant is predicted to result in the amino acid substitution p.Arg2834Cys. This variant has been reported in related individuals with mild dilated cardiomyopathy; however, it was noted that this variant did not segregate with disease within the family identified in this study and other variants in cardiac-related genes were identified in the individuals carrying the DSP c.8500C>T variant (Supplementary Tables 1 and 2, Hoorntje et al. 2017. PubMed ID: 28790152). A different variant impacting the same amino acid has been reported in individuals with arrhythmogenic right ventricular dysplasia (ARVD/C) (described as 8501G>A (R2834H) in Yang et al. 2006. PubMed ID: 16917092). This variant is reported in 0.0063% of alleles in individuals of European (Non-Finnish) descent in gnomAD. At this time, the clinical significance of this variant is uncertain due to the absence of conclusive functional and genetic evidence.

Color Diagnostics, LLC DBA Color Health
Classification: Uncertain significance for Cardiomyopathy. Last evaluated: 2025-02-03. Review status: criteria provided, single submitter. Criteria: ACMG Guidelines, 2015. Collection method: clinical testing. Allele origin: germline.
Comment: This missense variant replaces arginine with cysteine at codon 2834 of the DSP protein. Computational prediction suggests that this variant may not impact protein structure and function. To our knowledge, functional studies have not been reported for this variant. This variant has been reported in an individual affected with dilated cardiomyopathy (Posafalvi 2015, dissertation, University of Groningen). This variant has also been reported in two individuals from a family affected with mild dilated cardiomyopathy, conduction disease and atrial fibrillation, who also carried a pathogenic variant in the LMNA gene that could explain the observed phenotypes (PMID: 28790152). This variant has been identified in 9/277786 chromosomes in the general population by the Genome Aggregation Database (gnomAD). The available evidence is insufficient to determine the role of this variant in disease conclusively. Therefore, this variant is classified as a Variant of Uncertain Significance.

All of Us Research Program, National Institutes of Health
Classification: Uncertain significance for Arrhythmogenic cardiomyopathy with wooly hair and keratoderma. Last evaluated: 2024-09-12. Review status: criteria provided, single submitter. Criteria: ACMG Guidelines, 2015. Collection method: clinical testing. Allele origin: germline. Inheritance: Autosomal dominant inheritance. Observed: 22 variant alleles, 22 heterozygotes.
Comment: This missense variant replaces arginine with cysteine at codon 2834 of the DSP protein. Computational prediction suggests that this variant may not impact protein structure and function (internally defined REVEL score threshold <= 0.5, PMID: 27666373). To our knowledge, functional studies have not been reported for this variant. This variant has been reported in an individual affected with dilated cardiomyopathy (Posafalvi 2015, dissertation, University of Groningen). This variant has also been reported in two individuals from a family affected with mild dilated cardiomyopathy, conduction disease and atrial fibrillation, who also carried a pathogenic variant in the LMNA gene that could explain the observed phenotypes (PMID: 28790152). This variant has been identified in 9/277786 chromosomes in the general population by the Genome Aggregation Database (gnomAD). The available evidence is insufficient to determine the role of this variant in disease conclusively. Therefore, this variant is classified as a Variant of Uncertain Significance.

This study involves interpretation of variants in research participants for the purpose of population health screening. Participant phenotype was not available at the time of variant classification. Additional details can be found in publication PMID: 35346344, PMCID: PMC8962531

Ambry Genetics
Classification: Uncertain significance for Cardiovascular phenotype. Last evaluated: 2022-12-27. Review status: criteria provided, single submitter. Criteria: Ambry Variant Classification Scheme 2023. Collection method: clinical testing. Allele origin: germline.
Comment: The p.R2834C variant (also known as c.8500C>T), located in coding exon 24 of the DSP gene, results from a C to T substitution at nucleotide position 8500. The arginine at codon 2834 is replaced by cysteine, an amino acid with highly dissimilar properties. This alteration has been reported in a family with dilated cardiomyopathy (DCM) that also had alterations in other cardiac-related genes (Hoorntje ET et al. Circ Cardiovasc Genet, 2017 Aug;10:). Another alteration affecting the same amino acid, p.R2834H (c.8501G>A), has been reported in association with arrhythmogenic right ventricular cardiomyopathy (ARVC) (Yang Z et al. Circ. Res., 2006 Sep;99:646-55). This amino acid position is highly conserved in available vertebrate species. In addition, the in silico prediction for this alteration is inconclusive. Since supporting evidence is limited at this time, the clinical significance of this alteration remains unclear.

GeneDx
Classification: Uncertain significance. Last evaluated: 2022-04-15. Review status: criteria provided, single submitter. Criteria: GeneDx Variant Classification Process June 2021. Collection method: clinical testing. Allele origin: germline. Affected: yes.
Comment: Has not been previously published as pathogenic or benign to our knowledge; In silico analysis supports that this missense variant has a deleterious effect on protein structure/function; This variant is associated with the following publications: (PMID: 26582918)

Fulgent Genetics
Classification: Uncertain significance for Arrhythmogenic cardiomyopathy with wooly hair and keratoderma; Arrhythmogenic right ventricular dysplasia 8; Lethal acantholytic epidermolysis bullosa; Keratosis palmoplantaris striata 2; Cardiomyopathy, dilated, with wooly hair, keratoderma, and tooth agenesis. Last evaluated: 2021-11-07. Review status: criteria provided, single submitter. Criteria: ACMG Guidelines, 2015. Collection method: clinical testing. Allele origin: unknown.

Genomic Diagnostic Laboratory, Division of Genomic Diagnostics, Children's Hospital of Philadelphia
Classification: Uncertain significance for Arrhythmogenic right ventricular cardiomyopathy. Last evaluated: 2015-07-17. Review status: criteria provided, single submitter. Criteria: DGD Variant Analysis Guidelines. Collection method: clinical testing. Allele origin: unknown.

Clinical Genetics DNA and cytogenetics Diagnostics Lab, Erasmus MC, Erasmus Medical Center
Classification: Uncertain significance. Review status: no assertion criteria provided. Collection method: clinical testing. Allele origin: germline. Affected: yes. Study: VKGL Data-share Consensus. Not counted in ClinVar's aggregate classification.

Clinical Genetics, Academic Medical Center
Classification: Uncertain significance. Review status: no assertion criteria provided. Collection method: clinical testing. Allele origin: germline. Affected: yes. Study: VKGL Data-share Consensus. Not counted in ClinVar's aggregate classification.

Diagnostic Laboratory, Department of Genetics, University Medical Center Groningen
Classification: Uncertain significance. Review status: no assertion criteria provided. Collection method: clinical testing. Allele origin: germline. Affected: yes. Study: VKGL Data-share Consensus. Not counted in ClinVar's aggregate classification.

Genome Diagnostics Laboratory, University Medical Center Utrecht
Classification: Uncertain significance. Review status: no assertion criteria provided. Collection method: clinical testing. Allele origin: germline. Affected: yes. Study: VKGL Data-share Consensus. Not counted in ClinVar's aggregate classification.

Literature cited by the submitters: PubMed 28790152 (cited by 3 submitters).

NM_004415.4(DSP):c.8500C>T (p.Arg2834Cys)

Gene: DSP (desmoplakin; plus strand). Cytogenetic location: 6p24.3.
Variant type: single nucleotide variant.
Coding change: c.8500C>T on transcript NM_004415.4 (MANE Select); coding-DNA position 8500, C replaced by T.
Protein change: p.Arg2834Cys; replaces arginine 2834 with cysteine.
Molecular consequence: missense variant.
Genome position (GRCh38, 1-based): chr6:7,585,762, C>T. VCF-style: chr6-7585762-C-T. GRCh37 (hg19) VCF-style: chr6-7585995-C-T.
Other names: c.6703C>T, p.Arg2235Cys (NM_001008844.3); c.7171C>T, p.Arg2391Cys (NM_001319034.2); c.8500C>T (LRG_423t1, NM_004415.3); short protein forms R2834C, R2235C, R2391C.
Identifiers: ClinVar variation 218636 (VCV000218636.29), dbSNP rs753033333, ClinGen allele CA052606.